The following is an entry in ClinVar:

NM_000218.3(KCNQ1):c.1819G>A (p.Ala607Thr)

Genes: KCNQ1 (potassium voltage-gated channel subfamily Q member 1; plus strand), KCNQ1-AS1 (KCNQ1 antisense RNA 1; minus strand). Cytogenetic location: 11p15.4.
Variant type: single nucleotide variant.
Coding change: c.1819G>A on transcript NM_000218.3 (MANE Select); coding-DNA position 1819, G replaced by A.
Protein change: p.Ala607Thr; replaces alanine 607 with threonine.
Molecular consequence: missense variant.
Genome position (GRCh38, 1-based): chr11:2,847,791, G>A. VCF-style: chr11-2847791-G-A. GRCh37 (hg19) VCF-style: chr11-2869021-G-A.
Other names: c.1723G>A, p.Ala575Thr (NM_001406836.1); c.1549G>A, p.Ala517Thr (NM_001406837.1); c.1279G>A, p.Ala427Thr (NM_001406838.1); c.331G>A, p.Ala111Thr (NM_001406839.1); c.1438G>A, p.Ala480Thr (NM_181798.2); short protein forms A111T, A427T, A480T, A517T, A575T, A607T.
Identifiers: ClinVar variation 3073983 (VCV003073983.2), dbSNP rs1253808998, ClinGen allele CA379140223.
Genomic context (GRCh38, chr11:2,847,791, plus strand): 5'-CACCACTGACTCTCTCGTCTGCCTTTGTCCCCGCAGGTGACGCAGCTGGACCAGAGGCTG[G>A]CACTCATCACCGACATGCTTCACCAGCTGCTCTCCTTGCACGGTGGCAGCACCCCCGGCA-3'
Protein context (NP_000209.2, residues 597-617): DKVTQLDQRL[Ala607Thr]LITDMLHQLL

ClinVar aggregate classification (germline): Uncertain significance. Review status: criteria provided, multiple submitters, no conflicts (2 of 4 stars). 2 submissions from 2 submitters: Uncertain significance (2). Last evaluated 2026-03-27.

Conditions:
Long QT syndrome (LQTS). Identifiers: MedGen C0023976, MeSH D008133, MONDO:0002442. Disease mechanism: loss of function. Inheritance: Various modes of inheritance.
Cardiovascular phenotype. Identifiers: MedGen CN230736.

Submissions (2):

Molecular Diagnostic Laboratory for Inherited Cardiovascular Disease, Montreal Heart Institute
Classification: Uncertain significance for Cardiovascular phenotype. Last evaluated: 2026-03-27. Review status: criteria provided, single submitter. Criteria: ACMG Guidelines, 2015. Collection method: clinical testing. Allele origin: germline. Affected: yes.
Comment: PM1, PM2, PP2

All of Us Research Program, National Institutes of Health
Classification: Uncertain significance for Long QT syndrome. Last evaluated: 2023-11-30. Review status: criteria provided, single submitter. Criteria: ACMG Guidelines, 2015. Collection method: clinical testing. Allele origin: germline. Inheritance: Autosomal dominant inheritance. Observed: 1 variant allele, 1 heterozygote.
Comment: This study involves interpretation of variants in research participants for the purpose of population health screening. Participant phenotype was not available at the time of variant classification. Additional details can be found in publication PMID: 35346344, PMCID: PMC8962531